The following is an entry in ClinVar:

NM_001447.3(FAT2):c.321G>A (p.Leu107=)

Gene: FAT2 (FAT atypical cadherin 2; minus strand). Cytogenetic location: 5q33.1.
Variant type: single nucleotide variant.
Coding change: c.321G>A on transcript NM_001447.3 (MANE Select); coding-DNA position 321, G replaced by A.
Protein change: p.Leu107=; no amino-acid change (leucine 107 retained).
Molecular consequence: synonymous variant.
Genome position (GRCh38, 1-based): chr5:151,568,611, C>T on the plus strand (G>A on the coding strand, the complement: FAT2 is on the minus strand). VCF-style: chr5-151568611-C-T. GRCh37 (hg19) VCF-style: chr5-150948172-C-T.
Identifiers: ClinVar variation 2655971 (VCV002655971.24), dbSNP rs2127650427, ClinGen allele CA447420254.

ClinVar aggregate classification (germline): Likely benign (1 of 4 stars; one submission).

Submission:

CeGaT Center for Human Genetics Tuebingen
Classification: Likely benign. Last evaluated: 2022-11-01. Review status: criteria provided, single submitter. Criteria: CeGaT Center For Human Genetics Tuebingen Variant Classification Criteria Version 2. Collection method: clinical testing. Allele origin: germline. Affected: yes. Observed: 1 variant allele.
Comment: FAT2: PM2:Supporting, BP4, BP7